The following is an entry in ClinVar:

ClinVar aggregate classification (germline): Likely benign. Review status: criteria provided, multiple submitters, no conflicts (2 of 4 stars). 2 submissions from 2 submitters: Likely benign (2). Last evaluated 2026-05-13.

Conditions:
Neurofibromatosis, type 1 (NF1). Also called: VON RECKLINGHAUSEN DISEASE; NEUROFIBROMATOSIS, TYPE I, SOMATIC; Peripheral type neurofibromatosis; Neurofibromatosis, type I. Identifiers: Orphanet 636, MedGen C0027831, MONDO:0018975, OMIM 162200. Disease mechanism: loss of function.

Submissions (2):

Myriad Genetics, Inc.
Classification: Likely benign for Neurofibromatosis, type 1. Last evaluated: 2026-05-13. Review status: criteria provided, single submitter. Criteria: Myriad Autosomal Dominant, Autosomal Recessive and X-Linked Classification Criteria (2023). Collection method: clinical testing. Allele origin: unknown.
Comment: This variant is considered likely benign. This variant is intronic and is not expected to impact mRNA splicing.

Labcorp Genetics (formerly Invitae), Labcorp
Classification: Likely benign for Neurofibromatosis, type 1. Last evaluated: 2025-02-12. Review status: criteria provided, single submitter. Criteria: Invitae Variant Classification Sherloc (09022015). Collection method: clinical testing. Allele origin: germline.

NM_001042492.3(NF1):c.6705-9T>C

Gene: NF1 (neurofibromin 1; plus strand). Cytogenetic location: 17q11.2.
Variant type: single nucleotide variant.
Coding change: c.6705-9T>C on transcript NM_001042492.3 (MANE Select); 9 bases into the intron before coding-DNA position 6705, T replaced by C.
Molecular consequence: intron variant.
Genome position (GRCh38, 1-based): chr17:31,338,016, T>C. VCF-style: chr17-31338016-T-C. GRCh37 (hg19) VCF-style: chr17-29665034-T-C.
Other names: c.6642-9T>C (NM_000267.4).
Identifiers: ClinVar variation 4694482 (VCV004694482.2).